The following is an entry in ClinVar:

NM_006440.5(TXNRD2):c.1250C>T (p.Ala417Val)

Gene: TXNRD2 (thioredoxin reductase 2; minus strand). Cytogenetic location: 22q11.21.
Variant type: single nucleotide variant.
Coding change: c.1250C>T on transcript NM_006440.5 (MANE Select); coding-DNA position 1250, C replaced by T.
Protein change: p.Ala417Val; replaces alanine 417 with valine.
Molecular consequence: missense variant. On other transcripts: non-coding transcript variant (1).
Genome position (GRCh38, 1-based): chr22:19,880,204, G>A on the plus strand (C>T on the coding strand, the complement: TXNRD2 is on the minus strand). VCF-style: chr22-19880204-G-A. GRCh37 (hg19) VCF-style: chr22-19867727-G-A.
Other names: c.1247C>T, p.Ala416Val (NM_001352300.2); c.1160C>T, p.Ala387Val (NM_001352301.2); c.962C>T, p.Ala321Val (NM_001352302.2); short protein forms A321V, A387V, A416V, A417V.
Identifiers: ClinVar variation 2626147 (VCV002626147.2), dbSNP rs1024569640, ClinGen allele CA410680900.

ClinVar aggregate classification (germline): Uncertain significance (1 of 4 stars; one submission).

Conditions:
Cardiovascular phenotype. Identifiers: MedGen CN230736.

Allele frequency attached by ClinVar (database versions not stated): gnomAD 0.00001.
gnomAD v4.1: 1 of 1,613,482 alleles (0.000062%); highest among the groups gnomAD compares: Non-Finnish European, 0.000085%; no homozygotes.

Submission:

Ambry Genetics
Classification: Uncertain significance for Cardiovascular phenotype. Last evaluated: 2023-07-05. Review status: criteria provided, single submitter. Criteria: Ambry Variant Classification Scheme 2023. Collection method: clinical testing. Allele origin: germline.
Comment: The p.A417V variant (also known as c.1250C>T), located in coding exon 14 of the TXNRD2 gene, results from a C to T substitution at nucleotide position 1250. The alanine at codon 417 is replaced by valine, an amino acid with similar properties. This amino acid position is conserved. In addition, this alteration is predicted to be tolerated by in silico analysis. Since supporting evidence is limited at this time, the clinical significance of this alteration remains unclear.